The following is an entry in ClinVar:

NM_024675.4(PALB2):c.962T>G (p.Leu321Ter)

Gene: PALB2 (partner and localizer of BRCA2; minus strand). Cytogenetic location: 16p12.2.
Variant type: single nucleotide variant.
Coding change: c.962T>G on transcript NM_024675.4 (MANE Select); coding-DNA position 962, T replaced by G.
Protein change: p.Leu321Ter; replaces leucine 321 with a stop codon.
Molecular consequence: nonsense.
Genome position (GRCh38, 1-based): chr16:23,635,584, A>C on the plus strand (T>G on the coding strand, the complement: PALB2 is on the minus strand). VCF-style: chr16-23635584-A-C. GRCh37 (hg19) VCF-style: chr16-23646905-A-C.
Other names: c.902T>G, p.Leu301Ter (NM_001407296.1); c.962T>G, p.Leu321Ter (NM_001407297.1, NM_001407298.1, NM_001407299.1 and 3 more transcripts); c.77T>G, p.Leu26Ter (NM_001407304.1, NM_001407305.1, NM_001407306.1 and 5 more transcripts); short protein forms L301*, L321*, L26*.
Identifiers: ClinVar variation 2017905 (VCV002017905.5), dbSNP rs2142429833, ClinGen allele CA395134962.

ClinVar aggregate classification (germline): Pathogenic. Review status: criteria provided, multiple submitters, no conflicts (2 of 4 stars). 2 submissions from 2 submitters: Pathogenic (2). Last evaluated 2023-09-07.

Conditions:
Familial cancer of breast. Also called: Hereditary breast cancer; BREAST CANCER, FAMILIAL; hereditary breast carcinoma. Identifiers: Orphanet 227535, MedGen C0346153, MONDO:0016419, OMIM 114480. Disease mechanism: loss of function.

Submissions (2):

Myriad Genetics, Inc.
Classification: Pathogenic for Familial cancer of breast. Last evaluated: 2023-09-07. Review status: criteria provided, single submitter. Criteria: Myriad Autosomal Dominant, Autosomal Recessive and X-Linked Classification Criteria (2023). Collection method: clinical testing. Allele origin: unknown.
Comment: This variant is considered pathogenic. This variant creates a termination codon and is predicted to result in premature protein truncation.

Labcorp Genetics (formerly Invitae), Labcorp
Classification: Pathogenic for Familial cancer of breast. Last evaluated: 2022-07-17. Review status: criteria provided, single submitter. Criteria: Invitae Variant Classification Sherloc (09022015). Collection method: clinical testing. Allele origin: germline.
Comment: For these reasons, this variant has been classified as Pathogenic. This variant has not been reported in the literature in individuals affected with PALB2-related conditions. This variant is not present in population databases (gnomAD no frequency). This sequence change creates a premature translational stop signal (p.Leu321*) in the PALB2 gene. It is expected to result in an absent or disrupted protein product. Loss-of-function variants in PALB2 are known to be pathogenic (PMID: 17200668, 17200671, 17200672, 24136930, 25099575).

Literature cited by the submitters: PubMed 17200668 (cited by Labcorp Genetics (formerly Invitae), Labcorp); PubMed 17200671 (cited by Labcorp Genetics (formerly Invitae), Labcorp); PubMed 17200672 (cited by Labcorp Genetics (formerly Invitae), Labcorp); PubMed 24136930 (cited by Labcorp Genetics (formerly Invitae), Labcorp); PubMed 25099575 (cited by Labcorp Genetics (formerly Invitae), Labcorp).